The following is an entry in ClinVar:

NM_004260.4(RECQL4):c.2446C>A (p.Leu816Ile)

Gene: RECQL4 (RecQ like helicase 4; minus strand). Cytogenetic location: 8q24.3.
Variant type: single nucleotide variant.
Coding change: c.2446C>A on transcript NM_004260.4 (MANE Select); coding-DNA position 2446, C replaced by A.
Protein change: p.Leu816Ile; replaces leucine 816 with isoleucine.
Molecular consequence: missense variant. On other transcripts: non-coding transcript variant (3), intron variant (3).
Genome position (GRCh38, 1-based): chr8:144,513,235, G>T on the plus strand (C>A on the coding strand, the complement: RECQL4 is on the minus strand). VCF-style: chr8-144513235-G-T. GRCh37 (hg19) VCF-style: chr8-145738618-G-T.
Other names: c.2446C>A, p.Leu816Ile (NM_001413019.1, NM_001413036.1); c.2350C>A, p.Leu784Ile (NM_001413020.1); c.1375C>A, p.Leu459Ile (NM_001413021.1, NM_001413022.1, NM_001413023.1 and 5 more transcripts); c.2317C>A, p.Leu773Ile (NM_001413025.1); c.1309C>A, p.Leu437Ile (NM_001413027.1, NM_001413030.1, NM_001413032.1 and 1 more transcripts); c.2095C>A, p.Leu699Ile (NM_001413029.1); c.1177C>A, p.Leu393Ile (NM_001413031.1); c.2314C>A, p.Leu772Ile (NM_001413033.1); and 7 more; short protein forms L459I, L784I, L415I, L772I, L773I, L327I, L393I, L449I.
Identifiers: ClinVar variation 3787982 (VCV003787982.1).

ClinVar aggregate classification (germline): Uncertain significance (1 of 4 stars; one submission).

Conditions:
Inborn genetic diseases. Identifiers: MedGen C0950123, MeSH D030342.

Submission:

Ambry Genetics
Classification: Uncertain significance for Inborn genetic diseases. Last evaluated: 2025-01-05. Review status: criteria provided, single submitter. Criteria: Ambry Variant Classification Scheme 2023. Collection method: clinical testing. Allele origin: germline.
Comment: The p.L816I variant (also known as c.2446C>A), located in coding exon 14 of the RECQL4 gene, results from a C to A substitution at nucleotide position 2446. The leucine at codon 816 is replaced by isoleucine, an amino acid with highly similar properties. This amino acid position is conserved. In addition, this alteration is predicted to be deleterious by in silico analysis. Based on the available evidence, the clinical significance of this variant remains unclear.